The following is an entry in ClinVar:

NM_005505.5(SCARB1):c.260G>A (p.Arg87Gln)

Gene: SCARB1 (scavenger receptor class B member 1; minus strand). Cytogenetic location: 12q24.31.
Variant type: single nucleotide variant.
Coding change: c.260G>A on transcript NM_005505.5 (MANE Select); coding-DNA position 260, G replaced by A.
Protein change: p.Arg87Gln; replaces arginine 87 with glutamine.
Molecular consequence: missense variant. On other transcripts: non-coding transcript variant (9).
Genome position (GRCh38, 1-based): chr12:124,817,574, C>T on the plus strand (G>A on the coding strand, the complement: SCARB1 is on the minus strand). VCF-style: chr12-124817574-C-T. GRCh37 (hg19) VCF-style: chr12-125302120-C-T.
Other names: c.260G>A, p.Arg87Gln (NM_001367984.1, NM_001367985.1, NM_001367986.1 and 6 more transcripts); c.137G>A, p.Arg46Gln (NM_001367982.1); short protein forms R87Q, R46Q.
Identifiers: ClinVar variation 3015876 (VCV003015876.3), dbSNP rs202189954, ClinGen allele CA6870638.

ClinVar aggregate classification (germline): Uncertain significance (1 of 4 stars; one submission).

Allele frequency attached by ClinVar (database versions not stated): ExAC 0.00002; gnomAD exomes 0.00002; gnomAD 0.00003; TOPMed 0.00003; 1000 Genomes Project 30x 0.00016; 1000 Genomes Project 0.00020.

Submission:

Labcorp Genetics (formerly Invitae), Labcorp
Classification: Uncertain significance. Last evaluated: 2023-01-10. Review status: criteria provided, single submitter. Criteria: Invitae Variant Classification Sherloc (09022015). Collection method: clinical testing. Allele origin: germline.
Comment: This variant has not been reported in the literature in individuals affected with SCARB1-related conditions. Advanced modeling of protein sequence and biophysical properties (such as structural, functional, and spatial information, amino acid conservation, physicochemical variation, residue mobility, and thermodynamic stability) performed at Invitae indicates that this missense variant is not expected to disrupt SCARB1 protein function. Algorithms developed to predict the effect of sequence changes on RNA splicing suggest that this variant may disrupt the consensus splice site. In summary, the available evidence is currently insufficient to determine the role of this variant in disease. Therefore, it has been classified as a Variant of Uncertain Significance. This sequence change replaces arginine, which is basic and polar, with glutamine, which is neutral and polar, at codon 87 of the SCARB1 protein (p.Arg87Gln). This variant is present in population databases (rs202189954, gnomAD 0.005%).